The following is an entry in ClinVar:

ClinVar aggregate classification (germline): Uncertain significance (1 of 4 stars; one submission).

Conditions:
Epilepsy, familial temporal lobe, 1. Identifiers: Orphanet 101046, MedGen CN030884, MONDO:0700090, OMIM 600512.

Submission:

3billion
Classification: Uncertain significance for Epilepsy, familial temporal lobe, 1. Last evaluated: 2024-11-26. Review status: criteria provided, single submitter. Criteria: ACMG Guidelines, 2015. Collection method: clinical testing. Allele origin: germline. Affected: yes.
Comment: The variant is not observed in the gnomAD v4.1.0 dataset. Predicted Consequence/Location: Missense variant. The majority of the known disease-causing variants of this gene are variants expected to result in premature termination of the protein. In silico tool predictions suggest damaging effect of the variant on gene or gene product [REVEL: 0.90 (>=0.6, sensitivity 0.68 and specificity 0.92)]. A different missense change at the same codon (p.Ser473Leu) has been reported as pathogenic/likely pathogenic with strong evidence (ClinVar ID: VCV000208480 /PMID: 15079010). Therefore, this variant is classified as VUS according to the recommendation of ACMG/AMP guideline.

Literature cited by the submitters: PubMed 15079010.

NM_005097.4(LGI1):c.1417T>C (p.Ser473Pro)

Gene: LGI1 (leucine rich glioma inactivated 1; plus strand). Cytogenetic location: 10q23.33.
Variant type: single nucleotide variant.
Coding change: c.1417T>C on transcript NM_005097.4 (MANE Select); coding-DNA position 1417, T replaced by C.
Protein change: p.Ser473Pro; replaces serine 473 with proline.
Molecular consequence: missense variant. On other transcripts: non-coding transcript variant (1), intron variant (1).
Genome position (GRCh38, 1-based): chr10:93,797,546, T>C. VCF-style: chr10-93797546-T-C. GRCh37 (hg19) VCF-style: chr10-95557303-T-C.
Other names: c.1273T>C, p.Ser425Pro (NM_001308276.2); c.839-203T>C (NM_001308275.2); short protein forms S425P, S473P.
Identifiers: ClinVar variation 4293645 (VCV004293645.1).